The following is an entry in ClinVar:

ClinVar aggregate classification (germline): Uncertain significance (1 of 4 stars; one submission).

Conditions:
Alagille syndrome due to a JAG1 point mutation. Also called: Alagille Syndrome 1; JAG1-Related Alagille Syndrome; HEPATIC DUCTULAR HYPOPLASIA, SYNDROMATIC. Identifiers: Orphanet 261619, Orphanet 52, MedGen C1956125, MONDO:0016862, OMIM 118450.

Submission:

3billion
Classification: Uncertain significance for Alagille syndrome due to a JAG1 point mutation. Last evaluated: 2025-07-25. Review status: criteria provided, single submitter. Criteria: ACMG Guidelines, 2015. Collection method: clinical testing. Allele origin: germline. Affected: yes.
Comment: The variant is not observed in the gnomAD v4.1.0 dataset. Predicted Consequence/Location: Inframe deletion located in a nonrepeat region: predicted to change the length of the protein and disrupt normal protein function. Therefore, this variant is classified as VUS according to the recommendation of ACMG/AMP guideline.

NM_000214.3(JAG1):c.828_839del (p.Cys276_Pro279del)

Gene: JAG1 (jagged canonical Notch ligand 1; minus strand). Cytogenetic location: 20p12.2.
Variant type: Deletion.
Coding change: c.828_839del on transcript NM_000214.3 (MANE Select); coding-DNA positions 828 to 839, 12 bases deleted (TAATGAGCCCTG).
Protein change: p.Cys276_Pro279del.
Molecular consequence: inframe deletion.
Genome position (GRCh38, 1-based): chr20:10,652,515-10,652,526, CAGGGCTCATTA deleted on the plus strand (TAATGAGCCCTG on the coding strand, the reverse complement: JAG1 is on the minus strand); deleting any 12 consecutive bases within chr20:10,652,515-10,652,529 gives the same sequence; the c. name uses the placement nearest the transcript's 3' end. VCF-style (leftmost placement, unchanged base first): chr20-10652514-CCAGGGCTCATTA-C. GRCh37 (hg19) VCF-style: chr20-10633162-CCAGGGCTCATTA-C.
Identifiers: ClinVar variation 4854985 (VCV004854985.1).
Genomic context (GRCh38, chr20:10,652,514, plus strand): 5'-CCTAAGGGCCATACCTTTGTCACAGAGCTGGCCGCCCCAGTTGGTCTCACAGAGGCACTG[CCAGGGCTCATTA>C]CAGATGCCGTGGACGCATCCCGGGTGTGGGATGCACTTATCACAGTACAGGCCTTGCCAG-3'